The following is an entry in ClinVar:

ClinVar aggregate classification (germline): Likely benign. Review status: criteria provided, multiple submitters, no conflicts (2 of 4 stars). 4 submissions from 4 submitters: Likely benign (4). Last evaluated 2026-09-01.

Conditions:
Hypogonadotropic hypogonadism 2 with or without anosmia (HH2). Also called: FGFR1-Related GnRH Deficiency (Kallmann Syndrome 2); HYPOGONADOTROPIC HYPOGONADISM 2 WITHOUT ANOSMIA; HYPOGONADOTROPIC HYPOGONADISM 2 WITH OR WITHOUT ANOSMIA, SUSCEPTIBILITY TO; HYPOGONADOTROPIC HYPOGONADISM 2 WITHOUT ANOSMIA, SUSCEPTIBILITY TO. Identifiers: Orphanet 478, MedGen C1563720, MONDO:0007844, OMIM 147950. Disease mechanism: loss of function.
Pfeiffer syndrome (ACS5). Also called: ACS V. Identifiers: Orphanet 710, MedGen C0220658, MONDO:0007043, OMIM 101600.

Allele frequency attached by ClinVar (database versions not stated): TOPMed below 0.00001; gnomAD exomes 0.00001.
gnomAD v4.1: 15 of 1,614,090 alleles (0.00093%); highest among the groups gnomAD compares: South Asian, 0.0011%; no homozygotes.

Submissions (4):

CeGaT Center for Human Genetics Tuebingen
Classification: Likely benign. Last evaluated: 2026-09-01. Review status: criteria provided, single submitter. Criteria: CeGaT Center For Human Genetics Tuebingen Variant Classification Criteria Version 2. Collection method: clinical testing. Allele origin: germline. Affected: yes. Observed: 1 variant allele.
Comment: FGFR1: BP4, BP7

Labcorp Genetics (formerly Invitae), Labcorp
Classification: Likely benign for Pfeiffer syndrome; Hypogonadotropic hypogonadism 2 with or without anosmia. Last evaluated: 2023-01-31. Review status: criteria provided, single submitter. Criteria: Invitae Variant Classification Sherloc (09022015). Collection method: clinical testing. Allele origin: germline.

GeneDx
Classification: Likely benign. Last evaluated: 2019-07-26. Review status: criteria provided, single submitter. Criteria: GeneDx Variant Classification Process June 2021. Collection method: clinical testing. Allele origin: germline. Affected: yes.

Breakthrough Genomics
Classification: Likely benign. Review status: criteria provided, single submitter. Criteria: ACMG Guidelines, 2015. Collection method: not provided. Allele origin: germline. Inheritance: Autosomal dominant inheritance. Affected: yes.

NM_023110.3(FGFR1):c.708C>T (p.Tyr236=)

Gene: FGFR1 (fibroblast growth factor receptor 1; minus strand). Cytogenetic location: 8p11.23.
Variant type: single nucleotide variant.
Coding change: c.708C>T on transcript NM_023110.3 (MANE Select); coding-DNA position 708, C replaced by T.
Protein change: p.Tyr236=; no amino-acid change (tyrosine 236 retained).
Molecular consequence: synonymous variant.
Genome position (GRCh38, 1-based): chr8:38,426,159, G>A on the plus strand (C>T on the coding strand, the complement: FGFR1 is on the minus strand). VCF-style: chr8-38426159-G-A. GRCh37 (hg19) VCF-style: chr8-38283677-G-A.
Other names: c.708C>T, p.Tyr236= (NM_001174063.2); c.684C>T, p.Tyr228= (NM_001174064.2); c.702C>T, p.Tyr234= (NM_001174065.2, NM_001354367.2, NM_001354369.2 and 1 more transcripts); c.441C>T, p.Tyr147= (NM_001174066.2, NM_023105.3); c.801C>T, p.Tyr267= (NM_001174067.2); c.435C>T, p.Tyr145= (NM_001354368.2, NM_001354370.2, NM_023106.3).
Identifiers: ClinVar variation 698375 (VCV000698375.11), dbSNP rs373644620, ClinGen allele CA175149699.